The following is an entry in ClinVar:

ClinVar aggregate classification (germline): Uncertain significance. Review status: criteria provided, multiple submitters, no conflicts (2 of 4 stars). 2 submissions from 2 submitters: Uncertain significance (2). Last evaluated 2024-09-23.

Conditions:
Hereditary cancer-predisposing syndrome. Also called: Tumor predisposition; Hereditary Cancer Syndrome; Hereditary neoplastic syndrome; Neoplastic Syndromes, Hereditary. Identifiers: Orphanet 140162, MedGen C0027672, MeSH D009386, MONDO:0015356.

Allele frequency attached by ClinVar (database versions not stated): gnomAD exomes below 0.00001; ExAC 0.00001.
gnomAD v4.1: 1 of 1,613,784 alleles (0.000062%); highest among the groups gnomAD compares: Non-Finnish European, 0.000085%; no homozygotes.

Submissions (2):

Labcorp Genetics (formerly Invitae), Labcorp
Classification: Uncertain significance. Last evaluated: 2024-09-23. Review status: criteria provided, single submitter. Criteria: Invitae Variant Classification Sherloc (09022015). Collection method: clinical testing. Allele origin: germline.
Comment: This sequence change replaces alanine, which is neutral and non-polar, with threonine, which is neutral and polar, at codon 200 of the FH protein (p.Ala200Thr). This variant is present in population databases (rs767193939, gnomAD 0.0009%). This variant has not been reported in the literature in individuals affected with FH-related conditions. ClinVar contains an entry for this variant (Variation ID: 2605824). Invitae Evidence Modeling of protein sequence and biophysical properties (such as structural, functional, and spatial information, amino acid conservation, physicochemical variation, residue mobility, and thermodynamic stability) has been performed for this missense variant. However, the output from this modeling did not meet the statistical confidence thresholds required to predict the impact of this variant on FH protein function. In summary, the available evidence is currently insufficient to determine the role of this variant in disease. Therefore, it has been classified as a Variant of Uncertain Significance.

Ambry Genetics
Classification: Uncertain significance for Hereditary cancer-predisposing syndrome. Last evaluated: 2023-06-30. Review status: criteria provided, single submitter. Criteria: Ambry Variant Classification Scheme 2023. Collection method: clinical testing. Allele origin: germline.
Comment: The p.A200T variant (also known as c.598G>A), located in coding exon 5 of the FH gene, results from a G to A substitution at nucleotide position 598. The alanine at codon 200 is replaced by threonine, an amino acid with similar properties. This amino acid position is highly conserved in available vertebrate species. In addition, this alteration is predicted to be deleterious by in silico analysis. Since supporting evidence is limited at this time, the clinical significance of this alteration remains unclear.

NM_000143.4(FH):c.598G>A (p.Ala200Thr)

Gene: FH (fumarate hydratase; minus strand). Cytogenetic location: 1q43.
Variant type: single nucleotide variant.
Coding change: c.598G>A on transcript NM_000143.4 (MANE Select); coding-DNA position 598, G replaced by A.
Protein change: p.Ala200Thr; replaces alanine 200 with threonine.
Molecular consequence: missense variant.
Genome position (GRCh38, 1-based): chr1:241,508,743, C>T on the plus strand (G>A on the coding strand, the complement: FH is on the minus strand). VCF-style: chr1-241508743-C-T. GRCh37 (hg19) VCF-style: chr1-241672043-C-T.
Other names: short protein forms A200T.
Identifiers: ClinVar variation 2605824 (VCV002605824.5), dbSNP rs767193939, ClinGen allele CA1478646.